The following is an entry in ClinVar:

NM_000548.5(TSC2):c.5090_5092dup (p.Thr1697_Ser1698insThr)

Gene: TSC2 (TSC complex subunit 2; plus strand). Cytogenetic location: 16p13.3.
Variant type: Duplication.
Coding change: c.5090_5092dup on transcript NM_000548.5 (MANE Select); coding-DNA positions 5090 to 5092, 3 bases duplicated (CCA; older notation c.5090_5092dupCCA).
Protein change: p.Thr1697_Ser1698insThr.
Molecular consequence: non-coding transcript variant (on NR_176225.1).
Genome position (GRCh38, 1-based): chr16:2,088,069-2,088,071, CCA duplicated; duplicating any 3 consecutive bases within chr16:2,088,067-2,088,071 gives the same sequence; the c. name uses the placement nearest the transcript's 3' end. VCF-style (leftmost placement, unchanged base first): chr16-2088066-A-ACAC. GRCh37 (hg19) VCF-style: chr16-2138067-A-ACAC.
Other names: c.4889_4891dup, p.Thr1630_Ser1631insThr (NM_001077183.3); c.5021_5023dup, p.Thr1674_Ser1675insThr (NM_001114382.3); c.4781_4783dup, p.Thr1594_Ser1595insThr (NM_001318827.2); c.4745_4747dup, p.Thr1582_Ser1583insThr (NM_001318829.2); c.4358_4360dup, p.Thr1453_Ser1454insThr (NM_001318831.2); c.4922_4924dup, p.Thr1641_Ser1642insThr (NM_001318832.2); c.4892_4894dup, p.Thr1631_Ser1632insThr (NM_001363528.2); c.4958_4960dup, p.Thr1653_Ser1654insThr (NM_001370404.1); and 26 more.
Identifiers: ClinVar variation 3660304 (VCV003660304.2).
Genomic context (GRCh38, chr16:2,088,066, plus strand): 5'-GCCAAGAGCCCTGGGCCTGGCGTGACCACCAAGTCTCCCCAGACATGGAGGGCCTTGTGG[A>ACAC]CACCAGCGTGGCCAAGATCGTGTCTGACCGCAACCTGCCCTTCGTGGCCCGCCAGATGGC-3'

ClinVar aggregate classification (germline): Uncertain significance (1 of 4 stars; one submission).

Conditions:
Tuberous sclerosis 2 (TSC2). Identifiers: Orphanet 805, MedGen C1860707, MONDO:0013199, OMIM 613254.

Submission:

Labcorp Genetics (formerly Invitae), Labcorp
Classification: Uncertain significance for Tuberous sclerosis 2. Last evaluated: 2024-07-23. Review status: criteria provided, single submitter. Criteria: Invitae Variant Classification Sherloc (09022015). Collection method: clinical testing. Allele origin: germline.
Comment: This variant, c.5090_5092dup, results in the insertion of 1 amino acid(s) of the TSC2 protein (p.Thr1697dup), but otherwise preserves the integrity of the reading frame. This variant is not present in population databases (gnomAD no frequency). This variant has not been reported in the literature in individuals affected with TSC2-related conditions. Experimental studies and prediction algorithms are not available or were not evaluated, and the functional significance of this variant is currently unknown. In summary, the available evidence is currently insufficient to determine the role of this variant in disease. Therefore, it has been classified as a Variant of Uncertain Significance.